The following is an entry in ClinVar:

NM_000077.5(CDKN2A):c.-4C>T

Genes: CDKN2A (cyclin dependent kinase inhibitor 2A; minus strand), LOC130001603 (ATAC-STARR-seq lymphoblastoid silent region 19811; plus strand). Cytogenetic location: 9p21.3.
Variant type: single nucleotide variant.
Coding change: c.-4C>T on transcript NM_000077.5; 4 bases upstream of the start codon, C replaced by T.
Molecular consequence: 5 prime UTR variant (on NM_001195132.2). On other transcripts: intron variant (2).
Genome position (GRCh38, 1-based): chr9:21,974,831, G>A on the plus strand (C>T on the coding strand, the complement: CDKN2A is on the minus strand). VCF-style: chr9-21974831-G-A. GRCh37 (hg19) VCF-style: chr9-21974830-G-A.
Other names: c.-4C>T (NM_000077.6, NM_001195132.2, NM_058197.5); c.-3-3623C>T (NM_001363763.2); c.194-3623C>T (NM_058195.4).
Identifiers: ClinVar variation 2563915 (VCV002563915.2), dbSNP rs2131114349, ClinGen allele CA2580616166.
Genomic context (GRCh38, chr9:21,974,831, plus strand): 5'-GGCCGTGGCCAGCCAGTCAGCCGAAGGCTCCATGCTGCTCCCCGCCGCCGGCTCCATGCT[G>A]CTCCCCGCCGCCCGCTGCCTGCTCTCCCCCTCTCCGCAGCCGCCGAGCGCACGCGGTCCG-3'

ClinVar aggregate classification (germline): Uncertain significance (1 of 4 stars; one submission).

Conditions:
Hereditary cancer-predisposing syndrome. Also called: Tumor predisposition; Neoplastic Syndromes, Hereditary; Hereditary Cancer Syndrome; Hereditary neoplastic syndrome. Identifiers: Orphanet 140162, MedGen C0027672, MeSH D009386, MONDO:0015356.

gnomAD v4.1: 1 of 1,581,160 alleles (0.000063%); highest among the groups gnomAD compares: Admixed American, 0.0018%; no homozygotes.

Submission:

Ambry Genetics
Classification: Uncertain significance for Hereditary cancer-predisposing syndrome. Last evaluated: 2023-05-25. Review status: criteria provided, single submitter. Criteria: Ambry Variant Classification Scheme 2023. Collection method: clinical testing. Allele origin: germline.
Comment: The c.-4C>T variant is located in the 5' untranslated region (5&rsquo; UTR) of the CDKN2A gene. This variant results from a C to T substitution 4 bases upstream from the first translated codon. This nucleotide position is highly conserved in available vertebrate species. Since supporting evidence is limited at this time, the clinical significance of this alteration remains unclear.